The following is an entry in ClinVar:

ClinVar aggregate classification (germline): Likely pathogenic. Review status: criteria provided, multiple submitters, no conflicts (2 of 4 stars). 3 submissions from 3 submitters: Likely pathogenic (2). 1 of the submissions does not count toward it. Last evaluated 2026-01-21.

Conditions:
Retinitis pigmentosa (RP). Identifiers: Orphanet 791, MedGen C0035334, MeSH D012174, MONDO:0019200, OMIM 268000. Inheritance: Autosomal dominant, autosomal recessive and X linked inheritance.
PDE6A-related disorder. Also called: PDE6A-related condition.

Allele frequency attached by ClinVar (database versions not stated): gnomAD exomes below 0.00001 and 0.00001; TOPMed below 0.00001; gnomAD 0.00001.
gnomAD v4.1: 11 of 1,614,102 alleles (0.00068%); highest among the groups gnomAD compares: African/African-American, 0.0013%; no homozygotes.

Submissions (3):

PreventionGenetics, part of Exact Sciences
Classification: Likely pathogenic for PDE6A-related condition. Last evaluated: 2026-01-21. Review status: criteria provided, single submitter. Criteria: ACMG Guidelines, 2015. Collection method: clinical testing. Allele origin: germline.
Comment: The PDE6A c.2506+1G>A variant is predicted to disrupt the GT donor site and interfere with normal splicing. This variant was reported in an individual with retinitis pigmentosa (Supplementary Table 2, Sharon et al. 2020. PubMed ID: 31456290). This variant is reported in 0.00088% of alleles in individuals of European (Non-Finnish) descent in gnomAD. Variants that disrupt the consensus splice donor site in PDE6A are expected to be pathogenic. This variant is interpreted as likely pathogenic.

Blueprint Genetics
Classification: Likely pathogenic for PDE6A-related disorders. Last evaluated: 2022-09-20. Review status: criteria provided, single submitter. Criteria: ACMG Guidelines, 2015. Collection method: clinical testing. Allele origin: germline. Affected: yes. Observed: 4 variant alleles.

Sharon lab, Hadassah-Hebrew University Medical Center
Classification: Pathogenic for Retinitis pigmentosa. Last evaluated: 2019-06-23. Review status: no assertion criteria provided. Collection method: research. Allele origin: inherited. Affected: yes. Not counted in ClinVar's aggregate classification.

NM_000440.3(PDE6A):c.2506+1G>A

Gene: PDE6A (phosphodiesterase 6A; minus strand). Cytogenetic location: 5q32.
Variant type: single nucleotide variant.
Coding change: c.2506+1G>A on transcript NM_000440.3 (MANE Select); the canonical splice donor site of the intron after coding-DNA position 2506, G replaced by A.
Molecular consequence: splice donor variant.
Genome position (GRCh38, 1-based): chr5:149,863,118, C>T on the plus strand (G>A on the coding strand, the complement: PDE6A is on the minus strand). VCF-style: chr5-149863118-C-T. GRCh37 (hg19) VCF-style: chr5-149242681-C-T.
Other names: c.2263+1G>A (NM_001410788.1).
Identifiers: ClinVar variation 812366 (VCV000812366.3), dbSNP rs1561671507, ClinGen allele CA361708804.
Genomic context (GRCh38, chr5:149,863,118, plus strand): 5'-GCAGACACTGAGTGCTCAGGGAGTGGGGTGGTGGGAGTCCCTGCTTCCCCCTTCCACAAA[C>T]CTGACTTGGCCGACTGCTGTTTCTGCTTCTTCTCCTCCTGCACCTTCATCTTGGCATCGT-3'